The following is an entry in ClinVar:

NM_006030.4(CACNA2D2):c.445C>T (p.Arg149Cys)

Gene: CACNA2D2 (calcium voltage-gated channel auxiliary subunit alpha2delta 2; minus strand). Cytogenetic location: 3p21.31.
Variant type: single nucleotide variant.
Coding change: c.445C>T on transcript NM_006030.4 (MANE Select); coding-DNA position 445, C replaced by T.
Protein change: p.Arg149Cys; replaces arginine 149 with cysteine.
Molecular consequence: missense variant.
Genome position (GRCh38, 1-based): chr3:50,394,129, G>A on the plus strand (C>T on the coding strand, the complement: CACNA2D2 is on the minus strand). VCF-style: chr3-50394129-G-A. GRCh37 (hg19) VCF-style: chr3-50431560-G-A.
Other names: c.445C>T (NM_001174051.1); c.445C>T, p.Arg149Cys (NM_001005505.3, NM_001174051.3); c.238C>T, p.Arg80Cys (NM_001291101.1); short protein forms R149C, R80C.
Identifiers: ClinVar variation 530480 (VCV000530480.7), dbSNP rs201935269, ClinGen allele CA2419205.

ClinVar aggregate classification (germline): Uncertain significance. Review status: criteria provided, multiple submitters, no conflicts (2 of 4 stars). 2 submissions from 2 submitters: Uncertain significance (2). Last evaluated 2026-09-02.

Conditions:
Inborn genetic diseases. Identifiers: MedGen C0950123, MeSH D030342.
Developmental and epileptic encephalopathy. Identifiers: MedGen C5779964, MONDO:0100620.

Allele frequency attached by ClinVar (database versions not stated): gnomAD 0.00017 and 0.00019; TOPMed 0.00020.
gnomAD v4.1: 495 of 1,613,962 alleles (0.031%); highest among the groups gnomAD compares: Non-Finnish European, 0.038%; 1 homozygote.

Submissions (2):

Ambry Genetics
Classification: Uncertain significance for Inborn genetic diseases. Last evaluated: 2026-09-02. Review status: criteria provided, single submitter. Criteria: Ambry Variant Classification Scheme 2023. Collection method: clinical testing. Allele origin: germline.
Comment: The c.445C>T (p.R149C) alteration is located in exon 4 (coding exon 4) of the CACNA2D2 gene. This alteration results from a C to T substitution at nucleotide position 445, causing the arginine (R) at amino acid position 149 to be replaced by a cysteine (C). Based on data from the Genome Aggregation Database (gnomAD) database, the CACNA2D2 c.445C>T alteration was observed in 0.02% (49/282740) of total alleles studied, with a frequency of 0.03% (41/129110) in the European (non-Finnish) subpopulation. This amino acid position is well conserved in available vertebrate species. The p.R149C alteration is predicted to be tolerated by in silico analysis. Based on insufficient or conflicting evidence, the clinical significance of this alteration remains unclear.

Labcorp Genetics (formerly Invitae), Labcorp
Classification: Uncertain significance for Early-infantile DEE. Last evaluated: 2022-08-10. Review status: criteria provided, single submitter. Criteria: Invitae Variant Classification Sherloc (09022015). Collection method: clinical testing. Allele origin: germline.
Comment: This sequence change replaces arginine, which is basic and polar, with cysteine, which is neutral and slightly polar, at codon 149 of the CACNA2D2 protein (p.Arg149Cys). This variant is present in population databases (rs201935269, gnomAD 0.03%). This variant has not been reported in the literature in individuals affected with CACNA2D2-related conditions. ClinVar contains an entry for this variant (Variation ID: 530480). Algorithms developed to predict the effect of missense changes on protein structure and function are either unavailable or do not agree on the potential impact of this missense change (SIFT: "Deleterious"; PolyPhen-2: "Possibly Damaging"; Align-GVGD: "Class C0"). In summary, the available evidence is currently insufficient to determine the role of this variant in disease. Therefore, it has been classified as a Variant of Uncertain Significance.